The following is an entry in ClinVar:

NM_007294.4(BRCA1):c.5106A>T (p.Lys1702Asn)

Gene: BRCA1 (BRCA1 DNA repair associated; minus strand). Cytogenetic location: 17q21.31.
Variant type: single nucleotide variant.
Coding change: c.5106A>T on transcript NM_007294.4 (MANE Select); coding-DNA position 5106, A replaced by T.
Protein change: p.Lys1702Asn; replaces lysine 1702 with asparagine.
Molecular consequence: missense variant. On other transcripts: non-coding transcript variant (1).
Genome position (GRCh38, 1-based): chr17:43,063,920, T>A on the plus strand (A>T on the coding strand, the complement: BRCA1 is on the minus strand). VCF-style: chr17-43063920-T-A. GRCh37 (hg19) VCF-style: chr17-41215937-T-A.
Other names: c.4893A>T, p.Lys1631Asn (NM_001407571.1, NM_001407904.1, NM_001407906.1 and 12 more transcripts); c.5172A>T, p.Lys1724Asn (NM_001407581.1, NM_001407582.1); c.5169A>T, p.Lys1723Asn (NM_001407583.1, NM_001407585.1, NM_001407587.1 and 1 more transcripts); c.5103A>T, p.Lys1701Asn (NM_001407610.1, NM_001407611.1, NM_001407612.1 and 17 more transcripts); c.5100A>T, p.Lys1700Asn (NM_001407629.1, NM_001407630.1, NM_001407631.1 and 14 more transcripts); c.5046A>T, p.Lys1682Asn (NM_001407649.1); c.5028A>T, p.Lys1676Asn (NM_001407653.1, NM_001407654.1, NM_001407655.1); c.5025A>T, p.Lys1675Asn (NM_001407656.1, NM_001407657.1, NM_001407658.1); and 71 more; short protein forms K1655N, K1702N, K1723N, K598N, K1573N, K1589N, K1613N, K1630N.
Identifiers: ClinVar variation 868654 (VCV000868654.4), dbSNP rs1060504574, ClinGen allele CA10591316.

ClinVar aggregate classification (germline): Likely pathogenic (1 of 4 stars; one submission).

Conditions:
Inherited breast cancer and ovarian cancer.

Submissions (2):

Genetics Laboratory, Great Ormond Street Hospital NHS Foundation Trust, North Thames Genomic Laboratory Hub
Classification: Likely pathogenic for Inherited breast cancer and ovarian cancer. Last evaluated: 2026-04-08. Review status: criteria provided, single submitter. Criteria: CanVIG BRCA Gene Specific V1.22. Collection method: clinical testing. Allele origin: germline. Affected: yes.
Comment: PM2_moderate, PS3_strong

Brotman Baty Institute, University of Washington
No classification provided (evidence only). Condition: Breast-ovarian cancer, familial 1. Review status: no classification provided. Collection method: in vitro. Allele origin: not applicable. Functional consequence: functionally_abnormal. Not counted in ClinVar's aggregate classification.
ClinVar note: "not provided" was previously submitted as the classification for the variant. However, the classification appeared to be based only on an observation of functional data so it was converted to no classification on 2025-07-30.